The following is an entry in ClinVar:

ClinVar aggregate classification (germline): Uncertain significance. Review status: criteria provided, multiple submitters, no conflicts (2 of 4 stars). 2 submissions from 2 submitters: Uncertain significance (2). Last evaluated 2023-04-27.

Allele frequency attached by ClinVar (database versions not stated): gnomAD exomes 0.00001; ExAC 0.00002.
gnomAD v4.1: 16 of 1,613,932 alleles (0.00099%); highest among the groups gnomAD compares: Admixed American, 0.0017%; no homozygotes.

Submissions (2):

Labcorp Genetics (formerly Invitae), Labcorp
Classification: Uncertain significance. Last evaluated: 2023-04-27. Review status: criteria provided, single submitter. Criteria: Invitae Variant Classification Sherloc (09022015). Collection method: clinical testing. Allele origin: germline.
Comment: This variant has not been reported in the literature in individuals affected with COL2A1-related conditions. In summary, the available evidence is currently insufficient to determine the role of this variant in disease. Therefore, it has been classified as a Variant of Uncertain Significance. Advanced modeling of protein sequence and biophysical properties (such as structural, functional, and spatial information, amino acid conservation, physicochemical variation, residue mobility, and thermodynamic stability) performed at Invitae indicates that this missense variant is expected to disrupt COL2A1 protein function. ClinVar contains an entry for this variant (Variation ID: 1912489). This variant is present in population databases (rs748549541, gnomAD 0.006%). This sequence change replaces arginine, which is basic and polar, with histidine, which is basic and polar, at codon 1190 of the COL2A1 protein (p.Arg1190His).

Revvity Omics, Revvity
Classification: Uncertain significance. Last evaluated: 2021-09-02. Review status: criteria provided, single submitter. Criteria: ACMG Guidelines, 2015. Collection method: clinical testing. Allele origin: germline.

NM_001844.5(COL2A1):c.3569G>A (p.Arg1190His)

Gene: COL2A1 (collagen type II alpha 1 chain; minus strand). Cytogenetic location: 12q13.11.
Variant type: single nucleotide variant.
Coding change: c.3569G>A on transcript NM_001844.5 (MANE Select); coding-DNA position 3569, G replaced by A.
Protein change: p.Arg1190His; replaces arginine 1190 with histidine.
Molecular consequence: missense variant.
Genome position (GRCh38, 1-based): chr12:47,975,991, C>T on the plus strand (G>A on the coding strand, the complement: COL2A1 is on the minus strand). VCF-style: chr12-47975991-C-T. GRCh37 (hg19) VCF-style: chr12-48369774-C-T.
Other names: c.3362G>A, p.Arg1121His (NM_033150.3); short protein forms R1121H, R1190H.
Identifiers: ClinVar variation 1912489 (VCV001912489.8), dbSNP rs748549541, ClinGen allele CA6534705.